The following is an entry in ClinVar:

NM_183065.4(TMEM107):c.*768_*772dup

Gene: TMEM107 (transmembrane protein 107; minus strand). Cytogenetic location: 17p13.1.
Variant type: Duplication.
Coding change: c.*768_*772dup on transcript NM_183065.4 (MANE Select); 768 bases downstream of the stop codon through 772 bases downstream of the stop codon, 5 bases duplicated (ACATT; older notation c.*768_*772dupACATT).
Molecular consequence: 3 prime UTR variant. On other transcripts: non-coding transcript variant (1).
Genome position (GRCh38, 1-based): chr17:8,173,431-8,173,435, AATGT duplicated on the plus strand (ACATT on the coding strand, the reverse complement: TMEM107 is on the minus strand); duplicating any 5 consecutive bases within chr17:8,173,431-8,173,437 gives the same sequence; the c. name uses the placement nearest the transcript's 3' end. VCF-style (leftmost placement, unchanged base first): chr17-8173430-A-AAATGT. GRCh37 (hg19) VCF-style: chr17-8076748-A-AAATGT.
Other names: c.*768_*772dup (NM_001351278.2, NM_001351279.2, NM_001351280.2 and 1 more transcripts).
Identifiers: ClinVar variation 4989672 (VCV004989672.1).
Genomic context (GRCh38, chr17:8,173,430, plus strand): 5'-GGTTATCCCAGTCAGAACTTCATAGCTATGTTTGTGGATATCTGCTAATCAGCATAACAC[A>AAATGT]AATGTAAGTGATCGTCAGAAAGAATCAGACAGGAGCAATCAGGGTGTTGCAAGTCCTGAT-3'

ClinVar aggregate classification (germline): Likely benign (1 of 4 stars; one submission).

Conditions:
TMEM107-related disorder. Also called: TMEM107-related condition.

Submission:

PreventionGenetics, part of Exact Sciences
Classification: Likely benign for TMEM107-related condition. Last evaluated: 2024-10-16. Review status: criteria provided, single submitter. Criteria: ACMG Guidelines, 2015. Collection method: clinical testing. Allele origin: germline.
Comment: This variant is classified as likely benign based on ACMG/AMP sequence variant interpretation guidelines (Richards et al. 2015 PMID: 25741868, with internal and published modifications).